The following is an entry in ClinVar:

ClinVar aggregate classification (germline): Uncertain significance. Review status: criteria provided, multiple submitters, no conflicts (2 of 4 stars). 3 submissions from 3 submitters: Uncertain significance (3). Last evaluated 2024-03-06.

Conditions:
Arrhythmogenic right ventricular cardiomyopathy (ARVD). Also called: Arrhythmogenic cardiomyopathy; Arrhythmogenic Right Ventricular Cardiomyopathy (ARVC); Cardiomyopathy, ARVC; Arrhythmogenic right ventricular dysplasia. Identifiers: Orphanet 247, MedGen C0349788, MeSH D019571, MONDO:0016587. Disease mechanism: loss of function. Inheritance: Various modes of inheritance.
Cardiomyopathy (CMYO). Also called: Cardiomyopathies. Identifiers: Orphanet 167848, MedGen C0878544, MONDO:0004994, HP:0001638. Inheritance: Various modes of inheritance.
Arrhythmogenic right ventricular dysplasia 9 (ARVD9). Also called: Arrhythmogenic Right Ventricular Dysplasia/Cardiomyopathy 9; ARRHYTHMOGENIC RIGHT VENTRICULAR DYSPLASIA, FAMILIAL, 9. Identifiers: MedGen C1836906, MONDO:0012180, OMIM 609040.

gnomAD v4.1: 2 of 1,613,946 alleles (0.00012%); highest among the groups gnomAD compares: Non-Finnish European, 0.00017%; no homozygotes.

Submissions (3):

Color Diagnostics, LLC DBA Color Health
Classification: Uncertain significance for Cardiomyopathy. Last evaluated: 2024-03-06. Review status: criteria provided, single submitter. Criteria: ACMG Guidelines, 2015. Collection method: clinical testing. Allele origin: germline.
Comment: This missense variant replaces glycine with aspartic acid at codon 818 of the PKP2 protein. Computational prediction suggests that this variant may not impact protein structure and function (internally defined REVEL score threshold <= 0.5, PMID: 27666373). To our knowledge, functional studies have not been reported for this variant. This variant has not been reported in individuals affected with cardiovascular disorders in the literature. This variant has been identified in 1/251464 chromosomes in the general population by the Genome Aggregation Database (gnomAD). The available evidence is insufficient to determine the role of this variant in disease conclusively. Therefore, this variant is classified as a Variant of Uncertain Significance.

All of Us Research Program, National Institutes of Health
Classification: Uncertain significance for Arrhythmogenic right ventricular cardiomyopathy. Last evaluated: 2023-08-15. Review status: criteria provided, single submitter. Criteria: ACMG Guidelines, 2015. Collection method: clinical testing. Allele origin: germline. Inheritance: Autosomal dominant inheritance. Observed: 1 variant allele, 1 heterozygote.
Comment: This missense variant replaces glycine with aspartic acid at codon 818 of the PKP2 protein. Computational prediction suggests that this variant may not impact protein structure and function (internally defined REVEL score threshold <= 0.5, PMID: 27666373). To our knowledge, functional studies have not been reported for this variant. This variant has not been reported in individuals affected with cardiovascular disorders in the literature. This variant has been identified in 1/251464 chromosomes in the general population by the Genome Aggregation Database (gnomAD). The available evidence is insufficient to determine the role of this variant in disease conclusively. Therefore, this variant is classified as a Variant of Uncertain Significance.

This study involves interpretation of variants in research participants for the purpose of population health screening. Participant phenotype was not available at the time of variant classification. Additional details can be found in publication PMID: 35346344, PMCID: PMC8962531

Labcorp Genetics (formerly Invitae), Labcorp
Classification: Uncertain significance for Arrhythmogenic right ventricular dysplasia 9. Last evaluated: 2021-09-01. Review status: criteria provided, single submitter. Criteria: Invitae Variant Classification Sherloc (09022015). Collection method: clinical testing. Allele origin: germline.
Comment: This sequence change replaces glycine with aspartic acid at codon 818 of the PKP2 protein (p.Gly818Asp). The glycine residue is highly conserved and there is a moderate physicochemical difference between glycine and aspartic acid. This variant is not present in population databases (ExAC no frequency). This variant has not been reported in the literature in individuals affected with PKP2-related conditions. Algorithms developed to predict the effect of missense changes on protein structure and function are either unavailable or do not agree on the potential impact of this missense change (SIFT: "Deleterious"; PolyPhen-2: "Probably Damaging"; Align-GVGD: "Class C15"). In summary, the available evidence is currently insufficient to determine the role of this variant in disease. Therefore, it has been classified as a Variant of Uncertain Significance.

NM_001005242.3(PKP2):c.2321G>A (p.Gly774Asp)

Gene: PKP2 (plakophilin 2; minus strand). Cytogenetic location: 12p11.21.
Variant type: single nucleotide variant.
Coding change: c.2321G>A on transcript NM_001005242.3 (MANE Select); coding-DNA position 2321, G replaced by A.
Protein change: p.Gly774Asp; replaces glycine 774 with aspartic acid.
Molecular consequence: missense variant.
Genome position (GRCh38, 1-based): chr12:32,796,145, C>T on the plus strand (G>A on the coding strand, the complement: PKP2 is on the minus strand). VCF-style: chr12-32796145-C-T. GRCh37 (hg19) VCF-style: chr12-32949079-C-T.
Other names: c.2453G>A, p.Gly818Asp (NM_004572.4); short protein forms G818D, G774D.
Identifiers: ClinVar variation 533039 (VCV000533039.8), dbSNP rs1192534020, ClinGen allele CA384357600.